The following is an entry in ClinVar:

ClinVar aggregate classification (germline): Benign/Likely benign. Review status: criteria provided, multiple submitters, no conflicts (2 of 4 stars). 5 submissions from 5 submitters: Benign (2); Likely benign (3). Last evaluated 2025-11-11.

Conditions:
Hereditary cancer-predisposing syndrome. Also called: Tumor predisposition; Hereditary Cancer Syndrome; Hereditary neoplastic syndrome; Neoplastic Syndromes, Hereditary. Identifiers: Orphanet 140162, MedGen C0027672, MeSH D009386, MONDO:0015356.
Tuberous sclerosis syndrome (TSC). Also called: Tuberous Sclerosis Complex; Tuberous sclerosis. Identifiers: Orphanet 805, MedGen C0041341, MONDO:0001734.
Tuberous sclerosis 2 (TSC2). Identifiers: Orphanet 805, MedGen C1860707, MONDO:0013199, OMIM 613254.

Allele frequency attached by ClinVar (database versions not stated): gnomAD 0.00001; TOPMed 0.00001; ExAC 0.00003; gnomAD exomes 0.00004.
gnomAD v4.1: 9 of 1,611,982 alleles (0.00056%); highest among the groups gnomAD compares: Admixed American, 0.015%; no homozygotes.

Submissions (5):

Women's Health and Genetics/Laboratory Corporation of America, LabCorp
Classification: Likely benign. Last evaluated: 2025-11-11. Review status: criteria provided, single submitter. Criteria: LabCorp Variant Classification Summary - May 2015. Collection method: clinical testing. Allele origin: germline.
Comment: Variant summary: TSC2 c.3850C>T (p.Gln1284X) results in a premature termination codon, predicted to cause a truncation of the encoded protein and may escape non-sense mediated decay. The variant allele was found at a frequency of 3.6e-05 in 250090 control chromosomes, predominantly at a frequency of 0.00026 within the Latino subpopulation in the gnomAD database, which is above the maximal pathogenic variant allele frequency. ClinVar contains an entry for this variant (Variation ID: 238028). Based on the evidence outlined above, the variant was classified as likely benign.

Labcorp Genetics (formerly Invitae), Labcorp
Classification: Likely benign for Tuberous sclerosis 2. Last evaluated: 2025-10-22. Review status: criteria provided, single submitter. Criteria: Invitae Variant Classification Sherloc (09022015). Collection method: clinical testing. Allele origin: germline.

Genome-Nilou Lab
Classification: Benign for Tuberous sclerosis 2. Last evaluated: 2021-11-07. Review status: criteria provided, single submitter. Criteria: ACMG Guidelines, 2015. Collection method: clinical testing. Allele origin: germline. Affected: no.

Ambry Genetics
Classification: Likely benign for Hereditary cancer-predisposing syndrome. Last evaluated: 2021-06-18. Review status: criteria provided, single submitter. Criteria: Ambry Variant Classification Scheme 2023. Collection method: clinical testing. Allele origin: germline.

Illumina Laboratory Services, Illumina
Classification: Benign for Tuberous sclerosis syndrome. Last evaluated: 2017-04-27. Review status: criteria provided, single submitter. Criteria: ICSL Variant Classification Criteria 13 December 2019. Collection method: clinical testing. Allele origin: germline.
Comment: This variant was observed as part of a predisposition screen in an ostensibly healthy population. A literature search was performed for the gene, cDNA change, and amino acid change (where applicable). Publications were found based on this search. The evidence from the literature, in combination with allele frequency data from public databases where available, was sufficient to rule this variant out of causing disease. Therefore, this variant is classified as benign.

Literature cited by the submitters: PubMed 21624971 (cited by Illumina Laboratory Services, Illumina).

NM_000548.5(TSC2):c.3850C>T (p.Gln1284Ter)

Gene: TSC2 (TSC complex subunit 2; plus strand). Cytogenetic location: 16p13.3.
Variant type: single nucleotide variant.
Coding change: c.3850C>T on transcript NM_000548.5 (MANE Select); coding-DNA position 3850, C replaced by T.
Protein change: p.Gln1284Ter; replaces glutamine 1284 with a stop codon.
Molecular consequence: nonsense. On other transcripts: intron variant (6).
Genome position (GRCh38, 1-based): chr16:2,082,471, C>T. VCF-style: chr16-2082471-C-T. GRCh37 (hg19) VCF-style: chr16-2132472-C-T.
Other names: c.3118C>T, p.Gln1040Ter (NM_001318831.2); c.3718C>T, p.Gln1240Ter (NM_001370404.1); c.3721C>T, p.Gln1241Ter (NM_001370405.1, NM_021055.3); c.3814+673C>T (NM_001114382.3); c.3685+673C>T (NM_001363528.2); c.3682+673C>T (NM_001077183.3); c.3574+673C>T (NM_001318827.2); c.3538+673C>T (NM_001318829.2); and 1 more; short protein forms Q1284*, Q1241*, Q1240*, Q1040*.
Identifiers: ClinVar variation 238028 (VCV000238028.18), dbSNP rs753308966, ClinGen allele CA048901.
Genomic context (GRCh38, chr16:2,082,471, plus strand): 5'-GGCCGCACACGGCCTTCCCTTGCAGTGGCCTCTTTCTCCTCCCTGTACCAGTCCAGCTGC[C>T]AAGGACAGCTGCACAGGAGCGTTTCCTGGGCAGGTATCGCCTCTCAGAGGGAAGCGGTTG-3'